The following is an entry in ClinVar:

ClinVar aggregate classification (germline): Uncertain significance (1 of 4 stars; one submission).

Submission:

GeneDx
Classification: Uncertain significance. Last evaluated: 2026-07-29. Review status: criteria provided, single submitter. Criteria: GeneDx Variant Classification Process June 2021. Collection method: clinical testing. Allele origin: germline.
Comment: Not observed at significant frequency in large population cohorts (gnomAD); In silico analysis supports that this missense variant has a deleterious effect on protein structure/function; Has not been previously published as pathogenic or benign to our knowledge

NM_003392.7(WNT5A):c.491G>C (p.Cys164Ser)

Gene: WNT5A (Wnt family member 5A; minus strand). Cytogenetic location: 3p14.3.
Variant type: single nucleotide variant.
Coding change: c.491G>C on transcript NM_003392.7 (MANE Select); coding-DNA position 491, G replaced by C.
Protein change: p.Cys164Ser; replaces cysteine 164 with serine.
Molecular consequence: missense variant.
Genome position (GRCh38, 1-based): chr3:55,474,530, C>G on the plus strand (G>C on the coding strand, the complement: WNT5A is on the minus strand). VCF-style: chr3-55474530-C-G. GRCh37 (hg19) VCF-style: chr3-55508558-C-G.
Other names: c.446G>C, p.Cys149Ser (NM_001256105.1, NM_001377271.1, NM_001377272.1); short protein forms C149S, C164S.
Identifiers: ClinVar variation 3361420 (VCV003361420.2).
Genomic context (GRCh38, chr3:55,474,530, plus strand): 5'-TCGCCGCAGCCGCCCCAGAGCCAGTCCCGCGGCAGGTCCTTGGGGCGCGCGGCGCGGCTG[C>G]AGCCGCAGGTGGACAGCTCGCCCTCGCGGCACGCCCGGCTCATGGCGTTCACCACCCCTG-3'
Protein context (NP_003383.4, residues 154-174): CREGELSTCG[Cys164Ser]SRAARPKDLP